The following is an entry in ClinVar:

ClinVar aggregate classification (germline): Uncertain significance (0 of 4 stars; one submission).

Conditions:
DNAJC7-related condition.

Submission:

PreventionGenetics, part of Exact Sciences
Classification: Uncertain significance for DNAJC7-related condition. Last evaluated: 2024-09-18. Review status: no assertion criteria provided. Collection method: clinical testing. Allele origin: germline.
Comment: The DNAJC7 c.641A>C variant is predicted to result in the amino acid substitution p.Tyr214Ser. To our knowledge, this variant has not been reported in the literature or in a large population database, indicating this variant is rare. At this time, the clinical significance of this variant is uncertain due to the absence of conclusive functional and genetic evidence.

NM_003315.4(DNAJC7):c.641A>C (p.Tyr214Ser)

Gene: DNAJC7 (DnaJ heat shock protein family (Hsp40) member C7; minus strand). Cytogenetic location: 17q21.2.
Variant type: single nucleotide variant.
Coding change: c.641A>C on transcript NM_003315.4 (MANE Select); coding-DNA position 641, A replaced by C.
Protein change: p.Tyr214Ser; replaces tyrosine 214 with serine.
Molecular consequence: missense variant. On other transcripts: non-coding transcript variant (1).
Genome position (GRCh38, 1-based): chr17:41,989,516, T>G on the plus strand (A>C on the coding strand, the complement: DNAJC7 is on the minus strand). VCF-style: chr17-41989516-T-G. GRCh37 (hg19) VCF-style: chr17-40141534-T-G.
Other names: c.473A>C, p.Tyr158Ser (NM_001144766.3); short protein forms Y158S, Y214S.
Identifiers: ClinVar variation 3345041 (VCV003345041.1).
Genomic context (GRCh38, chr17:41,989,516, plus strand): 5'-ACGAAAAACTGAACTGCCTTCTCAATACAATCTTCGTAATAAAGGCAAAGACCTCGTACA[T>G]ACAGAGCATCTGCATTGGTGGAATCCATTCGTAGAATGTCACTGCAATAGTCAGAAAAGG-3'
Protein context (NP_003306.3, residues 204-224): RMDSTNADAL[Tyr214Ser]VRGLCLYYED